The following is an entry in ClinVar:

ClinVar aggregate classification (germline): Uncertain significance (1 of 4 stars; one submission).

Conditions:
HUWE1-related disorder. Also called: HUWE1-related condition.

Submission:

PreventionGenetics, part of Exact Sciences
Classification: Uncertain significance for HUWE1-related condition. Last evaluated: 2025-07-14. Review status: criteria provided, single submitter. Criteria: ACMG Guidelines, 2015. Collection method: clinical testing. Allele origin: germline.
Comment: The HUWE1 c.5611C>T variant is predicted to result in the amino acid substitution p.Leu1871Phe. To our knowledge, this variant has not been reported in the literature or in a large population database (gnomAD), indicating this variant is rare. At this time, the clinical significance of this variant is uncertain due to the absence of conclusive functional and genetic evidence.

NM_031407.7(HUWE1):c.5611C>T (p.Leu1871Phe)

Gene: HUWE1 (HECT, UBA and WWE domain containing E3 ubiquitin protein ligase 1; minus strand). Cytogenetic location: Xp11.22.
Variant type: single nucleotide variant.
Coding change: c.5611C>T on transcript NM_031407.7 (MANE Select); coding-DNA position 5611, C replaced by T.
Protein change: p.Leu1871Phe; replaces leucine 1871 with phenylalanine.
Molecular consequence: missense variant.
Genome position (GRCh38, 1-based): chrX:53,580,936, G>A on the plus strand (C>T on the coding strand, the complement: HUWE1 is on the minus strand). VCF-style: chrX-53580936-G-A. GRCh37 (hg19) VCF-style: chrX-53607896-G-A.
Other names: c.5611C>T, p.Leu1871Phe (NM_001441048.1, NM_001441049.1, NM_001441051.1 and 6 more transcripts); c.5632C>T, p.Leu1878Phe (NM_001441050.1, NM_001441055.1); short protein forms L1871F, L1878F.
Identifiers: ClinVar variation 5001524 (VCV005001524.1).